The following is an entry in ClinVar:

ClinVar aggregate classification (germline): Uncertain significance (1 of 4 stars; one submission).

Conditions:
Congenital myasthenic syndrome 13 (CMS13). Also called: Myasthenic syndrome, congenital, 13, with tubular aggregates; Myasthenic syndrome, congenital, with tubular aggregates 2. Identifiers: Orphanet 353327, Orphanet 590, MedGen C3553645, MONDO:0013883, OMIM 614750.
DPAGT1-congenital disorder of glycosylation. Also called: CDG Ij; CONGENITAL DISORDER OF GLYCOSYLATION, TYPE Ij; DPAGT1-CDG. Identifiers: Orphanet 86309, MedGen C2931004, MONDO:0011964, OMIM 608093.

Submission:

Labcorp Genetics (formerly Invitae), Labcorp
Classification: Uncertain significance for Congenital myasthenic syndrome 13; DPAGT1-congenital disorder of glycosylation. Last evaluated: 2022-07-12. Review status: criteria provided, single submitter. Criteria: Invitae Variant Classification Sherloc (09022015). Collection method: clinical testing. Allele origin: germline.
Comment: Algorithms developed to predict the effect of missense changes on protein structure and function are either unavailable or do not agree on the potential impact of this missense change (SIFT: "Tolerated"; PolyPhen-2: "Probably Damaging"; Align-GVGD: "Class C0"). In summary, the available evidence is currently insufficient to determine the role of this variant in disease. Therefore, it has been classified as a Variant of Uncertain Significance. ClinVar contains an entry for this variant (Variation ID: 863766). This variant has not been reported in the literature in individuals affected with DPAGT1-related conditions. This variant is not present in population databases (gnomAD no frequency). This sequence change replaces leucine, which is neutral and non-polar, with valine, which is neutral and non-polar, at codon 134 of the DPAGT1 protein (p.Leu134Val).

NM_001382.4(DPAGT1):c.400C>G (p.Leu134Val)

Gene: DPAGT1 (dolichyl-phosphate N-acetylglucosaminephosphotransferase 1; minus strand). Cytogenetic location: 11q23.3.
Variant type: single nucleotide variant.
Coding change: c.400C>G on transcript NM_001382.4 (MANE Select); coding-DNA position 400, C replaced by G.
Protein change: p.Leu134Val; replaces leucine 134 with valine.
Molecular consequence: missense variant.
Genome position (GRCh38, 1-based): chr11:119,100,726, G>C on the plus strand (C>G on the coding strand, the complement: DPAGT1 is on the minus strand). VCF-style: chr11-119100726-G-C. GRCh37 (hg19) VCF-style: chr11-118971436-G-C.
Other names: short protein forms L134V.
Identifiers: ClinVar variation 863766 (VCV000863766.9), dbSNP rs1946487222, ClinGen allele CA382915107.